The following is an entry in ClinVar:

NM_000038.6(APC):c.3383C>G (p.Ser1128Cys)

Gene: APC (APC regulator of Wnt signaling pathway; plus strand). Cytogenetic location: 5q22.2.
Variant type: single nucleotide variant.
Coding change: c.3383C>G on transcript NM_000038.6 (MANE Select); coding-DNA position 3383, C replaced by G.
Protein change: p.Ser1128Cys; replaces serine 1128 with cysteine.
Molecular consequence: missense variant.
Genome position (GRCh38, 1-based): chr5:112,838,977, C>G. VCF-style: chr5-112838977-C-G. GRCh37 (hg19) VCF-style: chr5-112174674-C-G.
Other names: c.3383C>G, p.Ser1128Cys (NM_001127510.3, NM_001354895.2); c.3329C>G, p.Ser1110Cys (NM_001127511.3); c.3437C>G, p.Ser1146Cys (NM_001354896.2); c.3413C>G, p.Ser1138Cys (NM_001354897.2); c.3308C>G, p.Ser1103Cys (NM_001354898.2); c.3299C>G, p.Ser1100Cys (NM_001354899.2); c.3260C>G, p.Ser1087Cys (NM_001354900.2); c.3206C>G, p.Ser1069Cys (NM_001354901.2); and 5 more; short protein forms S1110C, S1128C, S1002C, S1100C, S1103C, S1138C, S1069C, S1087C.
Identifiers: ClinVar variation 489437 (VCV000489437.23), dbSNP rs755586334, ClinGen allele CA035180.

ClinVar aggregate classification (germline): Conflicting classifications of pathogenicity. Review status: criteria provided, conflicting classifications (1 of 4 stars). 7 submissions from 7 submitters: Uncertain significance (6); Benign (1). Last evaluated 2025-12-12.

Conditions:
Hereditary cancer-predisposing syndrome. Also called: Hereditary Cancer Syndrome; Neoplastic Syndromes, Hereditary; Tumor predisposition; Hereditary neoplastic syndrome. Identifiers: Orphanet 140162, MedGen C0027672, MeSH D009386, MONDO:0015356.
Familial adenomatous polyposis 1 (FAP1). Also called: POLYPOSIS, ADENOMATOUS INTESTINAL; FAMILIAL ADENOMATOUS POLYPOSIS 1, ATTENUATED. Identifiers: MedGen C2713442, MONDO:0021056, OMIM 175100. Disease mechanism: loss of function.
Classic or attenuated familial adenomatous polyposis. Identifiers: MedGen CN372698, MONDO:0021057.

Allele frequency attached by ClinVar (database versions not stated): gnomAD exomes 0.00001 and 0.00004; TOPMed 0.00001; ExAC 0.00003.
gnomAD v4.1: 12 of 1,614,004 alleles (0.00074%); highest among the groups gnomAD compares: Admixed American, 0.018%; no homozygotes.

Submissions (7):

Labcorp Genetics (formerly Invitae), Labcorp
Classification: Uncertain significance for Familial adenomatous polyposis 1. Last evaluated: 2025-12-12. Review status: criteria provided, single submitter. Criteria: Invitae Variant Classification Sherloc (09022015). Collection method: clinical testing. Allele origin: germline.
Comment: This sequence change replaces serine, which is neutral and polar, with cysteine, which is neutral and slightly polar, at codon 1128 of the APC protein (p.Ser1128Cys). This variant is present in population databases (rs755586334, gnomAD 0.03%). This variant has not been reported in the literature in individuals affected with APC-related conditions. ClinVar contains an entry for this variant (Variation ID: 489437). Invitae Evidence Modeling of protein sequence and biophysical properties (such as structural, functional, and spatial information, amino acid conservation, physicochemical variation, residue mobility, and thermodynamic stability) indicates that this missense variant is not expected to disrupt APC protein function with a negative predictive value of 95%. In summary, the available evidence is currently insufficient to determine the role of this variant in disease. Therefore, it has been classified as a Variant of Uncertain Significance.

Quest Diagnostics Nichols Institute San Juan Capistrano
Classification: Uncertain significance. Last evaluated: 2024-10-01. Review status: criteria provided, single submitter. Criteria: Quest Diagnostics criteria. Collection method: clinical testing. Allele origin: unknown.
Comment: The APC c.3383C>G (p.Ser1128Cys) variant has not been reported in individuals with APC-related conditions in the published literature. The frequency of this variant in the general population, 0.00026 (9/34574 chromosomes in Admixed American subpopulation (Genome Aggregation Database)), is higher than would generally be expected for pathogenic variants in this gene. Analysis of this variant using bioinformatics tools for the prediction of the effect of amino acid changes on protein structure and function yielded conflicting predictions that this variant is benign or damaging. Based on the available information, we are unable to determine the clinical significance of this variant.

All of Us Research Program, National Institutes of Health
Classification: Uncertain significance for Classic or attenuated familial adenomatous polyposis. Last evaluated: 2024-05-30. Review status: criteria provided, single submitter. Criteria: ACMG Guidelines, 2015. Collection method: clinical testing. Allele origin: germline. Inheritance: Autosomal dominant inheritance. Observed: 2 variant alleles, 2 heterozygotes.
Comment: This missense variant replaces serine with cysteine at codon 1128 of the APC protein. Computational prediction suggests that this variant may not impact protein structure and function (internally defined REVEL score threshold <= 0.5, PMID: 27666373). To our knowledge, functional studies have not been reported for this variant. This variant has not been reported in individuals affected with hereditary cancer in the literature. This variant has been identified in 9/250674 chromosomes in the general population by the Genome Aggregation Database (gnomAD). The available evidence is insufficient to determine the role of this variant in disease conclusively. Therefore, this variant is classified as a Variant of Uncertain Significance.

This study involves interpretation of variants in research participants for the purpose of population health screening. Participant phenotype was not available at the time of variant classification. Additional details can be found in publication PMID: 35346344, PMCID: PMC8962531

GeneDx
Classification: Uncertain significance. Last evaluated: 2024-03-08. Review status: criteria provided, single submitter. Criteria: GeneDx Variant Classification Process June 2021. Collection method: clinical testing. Allele origin: germline. Affected: yes.
Comment: In silico analysis supports that this missense variant does not alter protein structure/function; Has not been previously published as pathogenic or benign to our knowledge; This variant is associated with the following publications: (PMID: 18199528)

Color Diagnostics, LLC DBA Color Health
Classification: Uncertain significance for Hereditary cancer-predisposing syndrome. Last evaluated: 2024-03-06. Review status: criteria provided, single submitter. Criteria: ACMG Guidelines, 2015. Collection method: clinical testing. Allele origin: germline.
Comment: This missense variant replaces serine with cysteine at codon 1128 of the APC protein. Computational prediction suggests that this variant may not impact protein structure and function (internally defined REVEL score threshold <= 0.5, PMID: 27666373). To our knowledge, functional studies have not been reported for this variant. This variant has not been reported in individuals affected with hereditary cancer in the literature. This variant has been identified in 9/250674 chromosomes in the general population by the Genome Aggregation Database (gnomAD). The available evidence is insufficient to determine the role of this variant in disease conclusively. Therefore, this variant is classified as a Variant of Uncertain Significance.

Baylor Genetics
Classification: Uncertain significance for Familial adenomatous polyposis 1. Last evaluated: 2023-11-02. Review status: criteria provided, single submitter. Criteria: ACMG Guidelines, 2015. Collection method: clinical testing. Allele origin: unknown.

Ambry Genetics
Classification: Benign for Hereditary cancer-predisposing syndrome. Last evaluated: 2022-02-28. Review status: criteria provided, single submitter. Criteria: Ambry Variant Classification Scheme 2023. Collection method: clinical testing. Allele origin: germline.